The following is an entry in ClinVar:

NM_153026.3(PRICKLE1):c.2446A>G (p.Lys816Glu)

Gene: PRICKLE1 (prickle planar cell polarity protein 1; minus strand). Cytogenetic location: 12q12.
Variant type: single nucleotide variant.
Coding change: c.2446A>G on transcript NM_153026.3 (MANE Select); coding-DNA position 2446, A replaced by G.
Protein change: p.Lys816Glu; replaces lysine 816 with glutamic acid.
Molecular consequence: missense variant.
Genome position (GRCh38, 1-based): chr12:42,459,859, T>C on the plus strand (A>G on the coding strand, the complement: PRICKLE1 is on the minus strand). VCF-style: chr12-42459859-T-C. GRCh37 (hg19) VCF-style: chr12-42853661-T-C.
Other names: c.2446A>G, p.Lys816Glu (NM_001144881.2, NM_001144882.2, NM_001144883.2); short protein forms K816E.
Identifiers: ClinVar variation 1044988 (VCV001044988.8), dbSNP rs1304426627, ClinGen allele CA384439457.

ClinVar aggregate classification (germline): Uncertain significance (1 of 4 stars; one submission).

Conditions:
Epilepsy, progressive myoclonic, 1B. Also called: PME. Identifiers: Orphanet 308, MedGen C2676254, MONDO:0012904, OMIM 612437.

Allele frequency attached by ClinVar (database versions not stated): gnomAD exomes below 0.00001; gnomAD 0.00001.
gnomAD v4.1: 2 of 1,614,100 alleles (0.00012%); highest among the groups gnomAD compares: Non-Finnish European, 0.00017%; no homozygotes.

Submission:

Labcorp Genetics (formerly Invitae), Labcorp
Classification: Uncertain significance for Epilepsy, progressive myoclonic, 1B. Last evaluated: 2020-06-17. Review status: criteria provided, single submitter. Criteria: Invitae Variant Classification Sherloc (09022015). Collection method: clinical testing. Allele origin: germline.
Comment: This variant is not present in population databases (ExAC no frequency). This sequence change replaces lysine with glutamic acid at codon 816 of the PRICKLE1 protein (p.Lys816Glu). The lysine residue is highly conserved and there is a small physicochemical difference between lysine and glutamic acid. This variant has not been reported in the literature in individuals with PRICKLE1-related conditions. Algorithms developed to predict the effect of missense changes on protein structure and function are either unavailable or do not agree on the potential impact of this missense change (SIFT: "Deleterious"; PolyPhen-2: "Benign"; Align-GVGD: "Class C15"). In summary, the available evidence is currently insufficient to determine the role of this variant in disease. Therefore, it has been classified as a Variant of Uncertain Significance.